The following is an entry in ClinVar:

ClinVar aggregate classification (germline): Benign/Likely benign. Review status: criteria provided, multiple submitters, no conflicts (2 of 4 stars). 6 submissions from 6 submitters: Benign (1); Likely benign (2). 3 of the submissions do not count toward it. Last evaluated 2026-08-01.

Conditions:
ARSG-related disorder. Also called: ARSG-related condition.

Allele frequency attached by ClinVar (database versions not stated): 1000 Genomes Project 0.00040; 1000 Genomes Project 30x 0.00062; ExAC 0.00172; gnomAD exomes 0.00190; TOPMed 0.00195; gnomAD 0.00223; ESP Exome Variant Server 0.00254.
gnomAD v4.1: 4,036 of 1,614,112 alleles (0.25%); highest among the groups gnomAD compares: Non-Finnish European, 0.31%; 8 homozygotes.

Submissions (6):

CeGaT Center for Human Genetics Tuebingen
Classification: Likely benign. Last evaluated: 2026-08-01. Review status: criteria provided, single submitter. Criteria: CeGaT Center For Human Genetics Tuebingen Variant Classification Criteria Version 2. Collection method: clinical testing. Allele origin: germline. Affected: yes. Observed: 7 variant alleles.
Comment: ARSG: BP4, BP7

Labcorp Genetics (formerly Invitae), Labcorp
Classification: Benign. Last evaluated: 2026-01-26. Review status: criteria provided, single submitter. Criteria: Invitae Variant Classification Sherloc (09022015). Collection method: clinical testing. Allele origin: germline.

Blueprint Genetics
Classification: Likely benign. Last evaluated: 2024-11-26. Review status: criteria provided, single submitter. Criteria: ACMG Guidelines, 2015. Collection method: clinical testing. Allele origin: germline.

PreventionGenetics, part of Exact Sciences
Classification: Likely benign for ARSG-related condition. Last evaluated: 2024-04-03. Review status: no assertion criteria provided. Collection method: clinical testing. Allele origin: germline. Not counted in ClinVar's aggregate classification.
Comment: This variant is classified as likely benign based on ACMG/AMP sequence variant interpretation guidelines (Richards et al. 2015 PMID: 25741868, with internal and published modifications).

Clinical Genetics DNA and cytogenetics Diagnostics Lab, Erasmus MC, Erasmus Medical Center
Classification: Likely benign. Review status: no assertion criteria provided. Collection method: clinical testing. Allele origin: germline. Affected: yes. Study: VKGL Data-share Consensus. Not counted in ClinVar's aggregate classification.

Clinical Genetics, Academic Medical Center
Classification: Likely benign. Review status: no assertion criteria provided. Collection method: clinical testing. Allele origin: germline. Affected: yes. Study: VKGL Data-share Consensus. Not counted in ClinVar's aggregate classification.

NM_001267727.2(ARSG):c.87G>A (p.Gly29=)

Gene: ARSG (arylsulfatase G; plus strand). Cytogenetic location: 17q24.2.
Variant type: single nucleotide variant.
Coding change: c.87G>A on transcript NM_001267727.2 (MANE Select); coding-DNA position 87, G replaced by A.
Protein change: p.Gly29=; no amino-acid change (glycine 29 retained).
Molecular consequence: synonymous variant.
Genome position (GRCh38, 1-based): chr17:68,307,580, G>A. VCF-style: chr17-68307580-G-A. GRCh37 (hg19) VCF-style: chr17-66303721-G-A.
Other names: c.87G>A, p.Gly29= (NM_001352899.2, NM_001352900.2, NM_001352901.2 and 9 more transcripts).
Identifiers: ClinVar variation 708031 (VCV000708031.44), dbSNP rs61734949, ClinGen allele CA8728102.